The following is an entry in ClinVar:

NM_007198.4(PLPBP):c.658G>A (p.Glu220Lys)

Gene: PLPBP (pyridoxal phosphate binding protein; plus strand). Cytogenetic location: 8p11.23.
Variant type: single nucleotide variant.
Coding change: c.658G>A on transcript NM_007198.4 (MANE Select); coding-DNA position 658, G replaced by A.
Protein change: p.Glu220Lys; replaces glutamic acid 220 with lysine.
Molecular consequence: missense variant.
Genome position (GRCh38, 1-based): chr8:37,775,978, G>A. VCF-style: chr8-37775978-G-A. GRCh37 (hg19) VCF-style: chr8-37633496-G-A.
Other names: c.688G>A, p.Glu230Lys (NM_001349346.2); c.652G>A, p.Glu218Lys (NM_001349347.2); c.502G>A, p.Glu168Lys (NM_001349348.2); short protein forms E168K, E218K, E220K, E230K.
Identifiers: ClinVar variation 3358342 (VCV003358342.1).

ClinVar aggregate classification (germline): Uncertain significance (0 of 4 stars; one submission).

Conditions:
PLPBP-related disorder. Also called: PLPBP-related condition.

Submission:

PreventionGenetics, part of Exact Sciences
Classification: Uncertain significance for PLPBP-related condition. Last evaluated: 2024-06-07. Review status: no assertion criteria provided. Collection method: clinical testing. Allele origin: germline.
Comment: The PLPBP c.658G>A variant is predicted to result in the amino acid substitution p.Glu220Lys. To our knowledge, this variant has not been reported in the literature. This variant is reported in 0.0058% of alleles in individuals of Latino descent in gnomAD. At this time, the clinical significance of this variant is uncertain due to the absence of conclusive functional and genetic evidence.